The following is an entry in ClinVar:

ClinVar aggregate classification (germline): Uncertain significance (1 of 4 stars; one submission).

Conditions:
Idiopathic generalized epilepsy. Also called: Generalised epilepsy; EIG. Identifiers: MedGen C0270850, MONDO:0005579, OMIM 600669.
Hyperaldosteronism, familial, type IV (HALD4). Also called: FH IV; ALDOSTERONISM, PRIMARY, AND HYPERTENSION. Identifiers: Orphanet 642671, MedGen C4310756, MONDO:0014875, OMIM 617027.

Submission:

Labcorp Genetics (formerly Invitae), Labcorp
Classification: Uncertain significance for Idiopathic generalized epilepsy; Hyperaldosteronism, familial, type IV. Last evaluated: 2022-05-12. Review status: criteria provided, single submitter. Criteria: Invitae Variant Classification Sherloc (09022015). Collection method: clinical testing. Allele origin: germline.
Comment: In summary, the available evidence is currently insufficient to determine the role of this variant in disease. Therefore, it has been classified as a Variant of Uncertain Significance. Algorithms developed to predict the effect of sequence changes on RNA splicing suggest that this variant may create or strengthen a splice site. This variant has not been reported in the literature in individuals affected with CACNA1H-related conditions. This variant is not present in population databases (gnomAD no frequency). This sequence change creates a premature translational stop signal (p.Lys1289*) in the CACNA1H gene. It is expected to result in an absent or disrupted protein product. However, the current clinical and genetic evidence is not sufficient to establish whether loss-of-function variants in CACNA1H cause disease.

NM_021098.3(CACNA1H):c.3865A>T (p.Lys1289Ter)

Gene: CACNA1H (calcium voltage-gated channel subunit alpha1 H; plus strand). Cytogenetic location: 16p13.3.
Variant type: single nucleotide variant.
Coding change: c.3865A>T on transcript NM_021098.3 (MANE Select); coding-DNA position 3865, A replaced by T.
Protein change: p.Lys1289Ter; replaces lysine 1289 with a stop codon.
Molecular consequence: nonsense.
Genome position (GRCh38, 1-based): chr16:1,210,389, A>T. VCF-style: chr16-1210389-A-T. GRCh37 (hg19) VCF-style: chr16-1260389-A-T.
Other names: c.3865A>T, p.Lys1289Ter (NM_001005407.2); short protein forms K1289*.
Identifiers: ClinVar variation 2118939 (VCV002118939.4), dbSNP rs752417842, ClinGen allele CA394176261.